The following is an entry in ClinVar:

ClinVar aggregate classification (germline): Uncertain significance (1 of 4 stars; one submission).

Conditions:
Autosomal dominant nonsyndromic hearing loss 65. Also called: Deafness, autosomal dominant 65; TBC1D24-Related Autosomal Dominant Nonsyndromic Hearing Loss (DFNA). Identifiers: Orphanet 90635, MedGen C3892048, MONDO:0014470, OMIM 616044.
Developmental and epileptic encephalopathy, 1 (DEE1). Also called: INFANTILE SPASM SYNDROME, X-LINKED 1; X-linked infantile spasms; West's syndrome; Tonic spasms with clustering, arrest of psychomotor development and hypsarrhythmia on EEG; X-Linked Infantile Spasm Syndrome; OHTAHARA SYNDROME, X-LINKED. Identifiers: MedGen C3463992, MONDO:0010632, OMIM 308350. Disease mechanism: loss of function.

Allele frequency attached by ClinVar (database versions not stated): TOPMed below 0.00001; gnomAD 0.00001.
gnomAD v4.1: 1 of 1,611,200 alleles (0.000062%); highest among the groups gnomAD compares: Non-Finnish European, 0.000085%; no homozygotes.

Submission:

Labcorp Genetics (formerly Invitae), Labcorp
Classification: Uncertain significance for Developmental and epileptic encephalopathy, 1; Autosomal dominant nonsyndromic hearing loss 65. Last evaluated: 2023-03-03. Review status: criteria provided, single submitter. Criteria: Invitae Variant Classification Sherloc (09022015). Collection method: clinical testing. Allele origin: germline.
Comment: This variant is not present in population databases (gnomAD no frequency). This variant has not been reported in the literature in individuals affected with TBC1D24-related conditions. Advanced modeling of protein sequence and biophysical properties (such as structural, functional, and spatial information, amino acid conservation, physicochemical variation, residue mobility, and thermodynamic stability) performed at Invitae indicates that this missense variant is not expected to disrupt TBC1D24 protein function. In summary, the available evidence is currently insufficient to determine the role of this variant in disease. Therefore, it has been classified as a Variant of Uncertain Significance. This sequence change replaces threonine, which is neutral and polar, with isoleucine, which is neutral and non-polar, at codon 453 of the TBC1D24 protein (p.Thr453Ile).

NM_001199107.2(TBC1D24):c.1358C>T (p.Thr453Ile)

Gene: TBC1D24 (TBC1 domain family member 24; plus strand). Cytogenetic location: 16p13.3.
Variant type: single nucleotide variant.
Coding change: c.1358C>T on transcript NM_001199107.2 (MANE Select); coding-DNA position 1358, C replaced by T.
Protein change: p.Thr453Ile; replaces threonine 453 with isoleucine.
Molecular consequence: missense variant.
Genome position (GRCh38, 1-based): chr16:2,500,323, C>T. VCF-style: chr16-2500323-C-T. GRCh37 (hg19) VCF-style: chr16-2550324-C-T.
Other names: c.1340C>T, p.Thr447Ile (NM_020705.3); short protein forms T453I, T447I.
Identifiers: ClinVar variation 2926592 (VCV002926592.3), dbSNP rs1429435902, ClinGen allele CA394380653.